The following is an entry in ClinVar:

NC_000007.14:g.140834677G>A

Gene: BRAF (B-Raf proto-oncogene, serine/threonine kinase; minus strand). Cytogenetic location: 7q34.
Variant type: single nucleotide variant.
Molecular consequence: missense variant (on NM_004333.6). On other transcripts: intron variant (1).
Genome position: GRCh38 VCF-style: chr7-140834677-G-A. GRCh37 (hg19) VCF-style: chr7-140534477-G-A.
Other names: c.436C>T, p.Arg146Trp (NM_001354609.2, NM_001374244.1, NM_001374258.1 and 6 more transcripts); c.334C>T, p.Arg112Trp (NM_001378470.1); c.280C>T, p.Arg94Trp (NM_001378472.1, NM_001378473.1); c.240+15434C>T (NM_001378475.1); short protein forms R146W, R94W, R112W.
Identifiers: ClinVar variation 849449 (VCV000849449.9), dbSNP rs769648920, ClinGen allele CA168127364.
Genomic context (GRCh38, chr7:140,834,677, plus strand): 5'-TCTGTTTGTTGGGCAGGAAGACTCTAACGATAGGTTTTTGTGGTGACTTGGGGTTGCTCC[G>A]TGCCACATCTGTGGGATTTTGAAAAACTGAAAGAGATGAAGGTAGCACTGAAAGGCTAGA-3'

ClinVar aggregate classification (germline): Uncertain significance (1 of 4 stars; one submission).

Conditions:
RASopathy. Also called: rasopathies; Noonan spectrum disorder. Identifiers: Orphanet 536391, MedGen C5555857, MONDO:0021060.

Allele frequency attached by ClinVar (database versions not stated): TOPMed 0.00001.
gnomAD v4.1: 5 of 1,614,120 alleles (0.00031%); highest among the groups gnomAD compares: East Asian, 0.0022%; no homozygotes.

Submission:

Labcorp Genetics (formerly Invitae), Labcorp
Classification: Uncertain significance for RASopathy. Last evaluated: 2024-02-23. Review status: criteria provided, single submitter. Criteria: Invitae Variant Classification Sherloc (09022015). Collection method: clinical testing. Allele origin: germline.
Comment: This sequence change replaces arginine, which is basic and polar, with tryptophan, which is neutral and slightly polar, at codon 146 of the BRAF protein (p.Arg146Trp). This variant is present in population databases (no rsID available, gnomAD 0.006%). This variant has not been reported in the literature in individuals affected with BRAF-related conditions. ClinVar contains an entry for this variant (Variation ID: 849449). Advanced modeling of protein sequence and biophysical properties (such as structural, functional, and spatial information, amino acid conservation, physicochemical variation, residue mobility, and thermodynamic stability) performed at Invitae indicates that this missense variant is expected to disrupt BRAF protein function with a positive predictive value of 95%. In summary, the available evidence is currently insufficient to determine the role of this variant in disease. Therefore, it has been classified as a Variant of Uncertain Significance.